The following is an entry in ClinVar:

ClinVar aggregate classification (germline): Conflicting classifications of pathogenicity. Review status: criteria provided, conflicting classifications (1 of 4 stars). 2 submissions from 2 submitters: Uncertain significance (1); Likely benign (1). Last evaluated 2025-11-06.

Allele frequency attached by ClinVar (database versions not stated): ExAC 0.00005; TOPMed 0.00013.

Submissions (3):

Ambry Genetics
Classification: Uncertain significance. Last evaluated: 2025-11-06. Review status: criteria provided, single submitter. Criteria: Ambry Variant Classification Scheme 2023. Collection method: clinical testing. Allele origin: germline.

CeGaT Center for Human Genetics Tuebingen
Classification: Likely benign. Last evaluated: 2023-02-01. Review status: criteria provided, single submitter. Criteria: CeGaT Center For Human Genetics Tuebingen Variant Classification Criteria Version 2. Collection method: clinical testing. Allele origin: germline. Affected: yes. Observed: 1 variant allele.
Comment: GCNA: BP4, BS2

Dr. Peter K. Rogan Lab, Western University
No classification provided (evidence only). Condition: Thyroid cancer, nonmedullary, 1. Review status: no classification provided. Collection method: in vitro. Allele origin: not applicable. Functional consequence: retained intron. Not counted in ClinVar's aggregate classification.

NM_052957.5(GCNA):c.89A>G (p.Asp30Gly)

Gene: GCNA (germ cell nuclear acidic peptidase; plus strand). Cytogenetic location: Xq13.1.
Variant type: single nucleotide variant.
Coding change: c.89A>G on transcript NM_052957.5 (MANE Select); coding-DNA position 89, A replaced by G.
Protein change: p.Asp30Gly; replaces aspartic acid 30 with glycine.
Molecular consequence: missense variant.
Genome position (GRCh38, 1-based): chrX:71,592,151, A>G. VCF-style: chrX-71592151-A-G. GRCh37 (hg19) VCF-style: chrX-70812001-A-G.
Other names: NC_000023.10:g.70812001A>G; short protein forms D30G.
Identifiers: ClinVar variation 2454344 (VCV002454344.27), dbSNP rs756523292, ClinGen allele CA10447890.